The following is an entry in ClinVar:

ClinVar aggregate classification (germline): Uncertain significance (1 of 4 stars; one submission).

Conditions:
Developmental and epileptic encephalopathy, 42 (DEE42A). Also called: DEVELOPMENTAL AND EPILEPTIC ENCEPHALOPATHY 42A; EPILEPTIC ENCEPHALOPATHY, EARLY INFANTILE, 42A; Epileptic encephalopathy, early infantile, 42. Identifiers: MedGen C4310716, MONDO:0014917, OMIM 617106.
Episodic ataxia type 2 (EA2). Also called: EPISODIC ATAXIA, NYSTAGMUS-ASSOCIATED; ACETAZOLAMIDE-RESPONSIVE HEREDITARY PAROXYSMAL CEREBELLAR ATAXIA; ATAXIA, EPISODIC, WITH NYSTAGMUS; ATAXIA, FAMILIAL PAROXYSMAL; CEREBELLAR ATAXIA, PAROXYSMAL, ACETAZOLAMIDE-RESPONSIVE; CEREBELLOPATHY, HEREDITARY PAROXYSMAL. Identifiers: Orphanet 97, MedGen C1720416, MONDO:0007163, OMIM 108500.

Allele frequency attached by ClinVar (database versions not stated): gnomAD exomes below 0.00001; TOPMed below 0.00001; gnomAD 0.00001.
gnomAD v4.1: 2 of 1,500,936 alleles (0.00013%); highest among the groups gnomAD compares: Non-Finnish European, 0.00018%; no homozygotes.

Submission:

Labcorp Genetics (formerly Invitae), Labcorp
Classification: Uncertain significance for Developmental and epileptic encephalopathy, 42; Episodic ataxia type 2. Last evaluated: 2025-04-10. Review status: criteria provided, single submitter. Criteria: Invitae Variant Classification Sherloc (09022015). Collection method: clinical testing. Allele origin: germline.
Comment: This sequence change replaces glycine, which is neutral and non-polar, with valine, which is neutral and non-polar, at codon 996 of the CACNA1A protein (p.Gly996Val). This variant is not present in population databases (gnomAD no frequency). This variant has not been reported in the literature in individuals affected with CACNA1A-related conditions. ClinVar contains an entry for this variant (Variation ID: 1060024). Invitae Evidence Modeling of protein sequence and biophysical properties (such as structural, functional, and spatial information, amino acid conservation, physicochemical variation, residue mobility, and thermodynamic stability) indicates that this missense variant is not expected to disrupt CACNA1A protein function with a negative predictive value of 95%. In summary, the available evidence is currently insufficient to determine the role of this variant in disease. Therefore, it has been classified as a Variant of Uncertain Significance.

NM_001127222.2(CACNA1A):c.2984G>T (p.Gly995Val)

Gene: CACNA1A (calcium voltage-gated channel subunit alpha1 A; minus strand). Cytogenetic location: 19p13.13.
Variant type: single nucleotide variant.
Coding change: c.2984G>T on transcript NM_001127222.2 (MANE Select); coding-DNA position 2984, G replaced by T.
Protein change: p.Gly995Val; replaces glycine 995 with valine.
Molecular consequence: missense variant.
Genome position (GRCh38, 1-based): chr19:13,298,649, C>A on the plus strand (G>T on the coding strand, the complement: CACNA1A is on the minus strand). VCF-style: chr19-13298649-C-A. GRCh37 (hg19) VCF-style: chr19-13409463-C-A.
Other names: c.2996G>T, p.Gly999Val (NM_000068.4, NM_023035.3); c.2987G>T, p.Gly996Val (NM_001127221.2, NM_001174080.2); short protein forms G995V, G996V, G999V.
Identifiers: ClinVar variation 1060024 (VCV001060024.9), dbSNP rs1002778568, ClinGen allele CA305506203.